The following is an entry in ClinVar:

NM_003579.4(RAD54L):c.599T>C (p.Leu200Pro)

Gene: RAD54L (RAD54 like; plus strand). Cytogenetic location: 1p34.1.
Variant type: single nucleotide variant.
Coding change: c.599T>C on transcript NM_003579.4 (MANE Select); coding-DNA position 599, T replaced by C.
Protein change: p.Leu200Pro; replaces leucine 200 with proline.
Molecular consequence: missense variant.
Genome position (GRCh38, 1-based): chr1:46,260,848, T>C. VCF-style: chr1-46260848-T-C. GRCh37 (hg19) VCF-style: chr1-46726520-T-C.
Other names: c.599T>C, p.Leu200Pro (NM_001142548.2); c.59T>C, p.Leu20Pro (NM_001370766.1); short protein forms L200P, L20P.
Identifiers: ClinVar variation 1750942 (VCV001750942.2), dbSNP rs748823721, ClinGen allele CA340186459.
Genomic context (GRCh38, chr1:46,260,848, plus strand): 5'-TCATGGCTGATGAGATGGGCCTAGGAAAGACGCTGCAGTGCATCACATTGATGTGGACAC[T>C]TTTACGCCAGAGTCCAGAGTGCAAGCCAGAAATTGACAAGGCAGTGGTGGTGTCGCCTTC-3'
Protein context (NP_003570.2, residues 190-210): TLQCITLMWT[Leu200Pro]LRQSPECKPE

ClinVar aggregate classification (germline): Uncertain significance (1 of 4 stars; one submission).

Submission:

Ambry Genetics
Classification: Uncertain significance. Last evaluated: 2021-07-28. Review status: criteria provided, single submitter. Criteria: Ambry Variant Classification Scheme 2023. Collection method: clinical testing. Allele origin: germline.
Comment: The p.L200P variant (also known as c.599T>C), located in coding exon 7 of the RAD54L gene, results from a T to C substitution at nucleotide position 599. The leucine at codon 200 is replaced by proline, an amino acid with similar properties. This amino acid position is conserved. In addition, this alteration is predicted to be deleterious by in silico analysis. Since supporting evidence is limited at this time, the clinical significance of this alteration remains unclear.